The following is an entry in ClinVar:

NM_000038.6(APC):c.7169G>A (p.Ser2390Asn)

Gene: APC (APC regulator of Wnt signaling pathway; plus strand). Cytogenetic location: 5q22.2.
Variant type: single nucleotide variant.
Coding change: c.7169G>A on transcript NM_000038.6 (MANE Select); coding-DNA position 7169, G replaced by A.
Protein change: p.Ser2390Asn; replaces serine 2390 with asparagine.
Molecular consequence: missense variant.
Genome position (GRCh38, 1-based): chr5:112,842,763, G>A. VCF-style: chr5-112842763-G-A. GRCh37 (hg19) VCF-style: chr5-112178460-G-A.
Other names: c.7169G>A, p.Ser2390Asn (NM_001127510.3, NM_001354895.2); c.7115G>A, p.Ser2372Asn (NM_001127511.3); c.7223G>A, p.Ser2408Asn (NM_001354896.2); c.7199G>A, p.Ser2400Asn (NM_001354897.2); c.7094G>A, p.Ser2365Asn (NM_001354898.2); c.7085G>A, p.Ser2362Asn (NM_001354899.2); c.7046G>A, p.Ser2349Asn (NM_001354900.2); c.6992G>A, p.Ser2331Asn (NM_001354901.2); and 5 more; short protein forms S2230N, S2331N, S2365N, S2390N, S2264N, S2289N, S2400N, S2299N.
Identifiers: ClinVar variation 826878 (VCV000826878.13), dbSNP rs1554088097, ClinGen allele CA16036944.

ClinVar aggregate classification (germline): Uncertain significance. Review status: criteria provided, multiple submitters, no conflicts (2 of 4 stars). 3 submissions from 3 submitters: Uncertain significance (3). Last evaluated 2024-03-06.

Conditions:
Hereditary cancer-predisposing syndrome. Also called: Neoplastic Syndromes, Hereditary; Tumor predisposition; Hereditary neoplastic syndrome; Hereditary Cancer Syndrome. Identifiers: Orphanet 140162, MedGen C0027672, MeSH D009386, MONDO:0015356.
Familial adenomatous polyposis 1 (FAP1). Also called: POLYPOSIS, ADENOMATOUS INTESTINAL; FAMILIAL ADENOMATOUS POLYPOSIS 1, ATTENUATED. Identifiers: MedGen C2713442, MONDO:0021056, OMIM 175100. Disease mechanism: loss of function.

Submissions (3):

Color Diagnostics, LLC DBA Color Health
Classification: Uncertain significance for Hereditary cancer-predisposing syndrome. Last evaluated: 2024-03-06. Review status: criteria provided, single submitter. Criteria: ACMG Guidelines, 2015. Collection method: clinical testing. Allele origin: germline.
Comment: This missense variant replaces serine with asparagine at codon 2390 of the APC protein. Computational prediction suggests that this variant may not impact protein structure and function (internally defined REVEL score threshold <= 0.5, PMID: 27666373). To our knowledge, functional studies have not been reported for this variant. This variant has not been reported in individuals affected with hereditary cancer in the literature. This variant has not been identified in the general population by the Genome Aggregation Database (gnomAD). The available evidence is insufficient to determine the role of this variant in disease conclusively. Therefore, this variant is classified as a Variant of Uncertain Significance.

Labcorp Genetics (formerly Invitae), Labcorp
Classification: Uncertain significance for Familial adenomatous polyposis 1. Last evaluated: 2023-12-29. Review status: criteria provided, single submitter. Criteria: Invitae Variant Classification Sherloc (09022015). Collection method: clinical testing. Allele origin: germline.
Comment: This sequence change replaces serine, which is neutral and polar, with asparagine, which is neutral and polar, at codon 2390 of the APC protein (p.Ser2390Asn). This variant is not present in population databases (gnomAD no frequency). This variant has not been reported in the literature in individuals affected with APC-related conditions. ClinVar contains an entry for this variant (Variation ID: 826878). Advanced modeling of protein sequence and biophysical properties (such as structural, functional, and spatial information, amino acid conservation, physicochemical variation, residue mobility, and thermodynamic stability) performed at Invitae indicates that this missense variant is not expected to disrupt APC protein function with a negative predictive value of 95%. In summary, the available evidence is currently insufficient to determine the role of this variant in disease. Therefore, it has been classified as a Variant of Uncertain Significance.

Ambry Genetics
Classification: Uncertain significance for Hereditary cancer-predisposing syndrome. Last evaluated: 2021-06-18. Review status: criteria provided, single submitter. Criteria: Ambry Variant Classification Scheme 2023. Collection method: clinical testing. Allele origin: germline.
Comment: The p.S2390N variant (also known as c.7169G>A), located in coding exon 15 of the APC gene, results from a G to A substitution at nucleotide position 7169. The serine at codon 2390 is replaced by asparagine, an amino acid with highly similar properties. This amino acid position is not well conserved, asparagine is the reference amino acid in several species. In addition, in silico predictors for this gene do not accurately predict pathogenicity. Since supporting evidence is limited at this time, the clinical significance of this alteration remains unclear.